The following is an entry in ClinVar:

ClinVar aggregate classification (germline): Conflicting classifications of pathogenicity. Review status: criteria provided, conflicting classifications (1 of 4 stars). 6 submissions from 5 submitters: Uncertain significance (5); Benign (1). Last evaluated 2024-05-22.

Conditions:
Nephronophthisis. Also called: Juvenile Nephronophthisis. Identifiers: Orphanet 655, MedGen C0687120, MONDO:0019005, HP:0000090.
Senior-Loken syndrome 4 (SLSN4). Identifiers: Orphanet 3156, MedGen C1846979, MONDO:0011756, OMIM 606996.
Nephronophthisis 4 (NPHP4). Also called: NEPHRONOPHTHISIS 4, JUVENILE. Identifiers: Orphanet 655, MedGen C1847013, MONDO:0011752, OMIM 606966.

Allele frequency attached by ClinVar (database versions not stated): gnomAD 0.00004; TOPMed 0.00008; ExAC 0.00026.
gnomAD v4.1: 37 of 1,605,888 alleles (0.0023%); highest among the groups gnomAD compares: East Asian, 0.069%; no homozygotes.

Submissions (6):

Labcorp Genetics (formerly Invitae), Labcorp
Classification: Uncertain significance for Nephronophthisis. Last evaluated: 2024-05-22. Review status: criteria provided, single submitter. Criteria: Invitae Variant Classification Sherloc (09022015). Collection method: clinical testing. Allele origin: germline.
Comment: This sequence change replaces asparagine, which is neutral and polar, with aspartic acid, which is acidic and polar, at codon 92 of the NPHP4 protein (p.Asn92Asp). This variant is present in population databases (rs762383978, gnomAD 0.2%). This variant has not been reported in the literature in individuals affected with NPHP4-related conditions. ClinVar contains an entry for this variant (Variation ID: 286807). Advanced modeling of protein sequence and biophysical properties (such as structural, functional, and spatial information, amino acid conservation, physicochemical variation, residue mobility, and thermodynamic stability) performed at Invitae indicates that this missense variant is not expected to disrupt NPHP4 protein function with a negative predictive value of 80%. In summary, the available evidence is currently insufficient to determine the role of this variant in disease. Therefore, it has been classified as a Variant of Uncertain Significance.

Fulgent Genetics
Classification: Uncertain significance for Nephronophthisis 4; Senior-Loken syndrome 4. Last evaluated: 2021-09-07. Review status: criteria provided, single submitter. Criteria: ACMG Guidelines, 2015. Collection method: clinical testing. Allele origin: unknown.

Blueprint Genetics
Classification: Benign. Last evaluated: 2019-08-15. Review status: criteria provided, single submitter. Criteria: ACMG Guidelines, 2015. Collection method: clinical testing. Allele origin: germline.

Illumina Laboratory Services, Illumina
Classification: Uncertain significance for Senior-Loken syndrome 4. Last evaluated: 2018-01-13. Review status: criteria provided, single submitter. Criteria: ICSL Variant Classification Criteria 13 December 2019. Collection method: clinical testing. Allele origin: germline.

Illumina Laboratory Services, Illumina
Classification: Uncertain significance for Nephronophthisis 4. Last evaluated: 2018-01-13. Review status: criteria provided, single submitter. Criteria: ICSL Variant Classification Criteria 13 December 2019. Collection method: clinical testing. Allele origin: germline.

Eurofins Ntd Llc (ga)
Classification: Uncertain significance. Last evaluated: 2016-03-22. Review status: criteria provided, single submitter. Criteria: EGL Classification Definitions 2015. Collection method: clinical testing. Allele origin: germline. Observed: 2 variant alleles, 2 heterozygotes.

NM_015102.5(NPHP4):c.274A>G (p.Asn92Asp)

Gene: NPHP4 (nephrocystin 4; minus strand). Cytogenetic location: 1p36.31.
Variant type: single nucleotide variant.
Coding change: c.274A>G on transcript NM_015102.5 (MANE Select); coding-DNA position 274, A replaced by G.
Protein change: p.Asn92Asp; replaces asparagine 92 with aspartic acid.
Molecular consequence: missense variant. On other transcripts: 5 prime UTR variant (1), non-coding transcript variant (1), intron variant (1).
Genome position (GRCh38, 1-based): chr1:5,978,275, T>C on the plus strand (A>G on the coding strand, the complement: NPHP4 is on the minus strand). VCF-style: chr1-5978275-T-C. GRCh37 (hg19) VCF-style: chr1-6038335-T-C.
Other names: c.-956A>G (NM_001291593.2); c.-1087-9016A>G (NM_001291594.2); short protein forms N92D.
Identifiers: ClinVar variation 286807 (VCV000286807.14), dbSNP rs762383978, ClinGen allele CA554889.